The following is an entry in ClinVar:

ClinVar aggregate classification (germline): Conflicting classifications of pathogenicity. Review status: criteria provided, conflicting classifications (1 of 4 stars). 2 submissions from 2 submitters: Uncertain significance (1); Likely benign (1). Last evaluated 2026-05-12.

Conditions:
Arrhythmogenic cardiomyopathy with wooly hair and keratoderma. Also called: Dilated cardiomyopathy with woolly hair and keratoderma; Arrhythmogenic cardiomyopathy with woolly hair and keratoderma; PALMOPLANTAR KERATODERMA WITH LEFT VENTRICULAR CARDIOMYOPATHY AND WOOLLY HAIR; Carvajal syndrome. Identifiers: Orphanet 65282, MedGen C1854063, MONDO:0011581, OMIM 605676.
Arrhythmogenic right ventricular dysplasia 8 (ARVD8). Also called: Arrhythmogenic Right Ventricular Dysplasia/Cardiomyopathy 8; ARRHYTHMOGENIC RIGHT VENTRICULAR DYSPLASIA, FAMILIAL, 8; ARRHYTHMOGENIC RIGHT VENTRICULAR CARDIOMYOPATHY 8. Identifiers: MedGen C1843896, MONDO:0011831, OMIM 607450.
Cardiovascular phenotype. Identifiers: MedGen CN230736.

Submissions (2):

Ambry Genetics
Classification: Likely benign for Cardiovascular phenotype. Last evaluated: 2026-05-12. Review status: criteria provided, single submitter. Criteria: Ambry Variant Classification Scheme 2023. Collection method: clinical testing. Allele origin: germline.

Labcorp Genetics (formerly Invitae), Labcorp
Classification: Uncertain significance for Arrhythmogenic cardiomyopathy with wooly hair and keratoderma; Arrhythmogenic right ventricular dysplasia 8. Last evaluated: 2025-04-29. Review status: criteria provided, single submitter. Criteria: Invitae Variant Classification Sherloc (09022015). Collection method: clinical testing. Allele origin: germline.
Comment: This sequence change replaces glutamine, which is neutral and polar, with histidine, which is basic and polar, at codon 1571 of the DSP protein (p.Gln1571His). This variant is not present in population databases (gnomAD no frequency). This variant has not been reported in the literature in individuals affected with DSP-related conditions. An algorithm developed to predict the effect of missense changes on protein structure and function outputs the following: PolyPhen-2: "Benign". The histidine amino acid residue is found in multiple mammalian species, which suggests that this missense change does not adversely affect protein function. In summary, the available evidence is currently insufficient to determine the role of this variant in disease. Therefore, it has been classified as a Variant of Uncertain Significance.

NM_004415.4(DSP):c.4713G>T (p.Gln1571His)

Gene: DSP (desmoplakin; plus strand). Cytogenetic location: 6p24.3.
Variant type: single nucleotide variant.
Coding change: c.4713G>T on transcript NM_004415.4 (MANE Select); coding-DNA position 4713, G replaced by T.
Protein change: p.Gln1571His; replaces glutamine 1571 with histidine.
Molecular consequence: missense variant. On other transcripts: intron variant (2).
Genome position (GRCh38, 1-based): chr6:7,580,903, G>T. VCF-style: chr6-7580903-G-T. GRCh37 (hg19) VCF-style: chr6-7581136-G-T.
Other names: c.4050+663G>T (NM_001319034.2); c.3582+1131G>T (NM_001008844.3); short protein forms Q1571H.
Identifiers: ClinVar variation 4794501 (VCV004794501.2).